The following is an entry in ClinVar:

ClinVar aggregate classification (germline): Uncertain significance (1 of 4 stars; one submission).

Conditions:
Hypertrophic cardiomyopathy. Also called: HYPERTROPHIC MYOCARDIOPATHY. Identifiers: Orphanet 217569, MedGen C0007194, MeSH D002312, MONDO:0005045, HP:0001639.

Submission:

Labcorp Genetics (formerly Invitae), Labcorp
Classification: Uncertain significance for Hypertrophic cardiomyopathy. Last evaluated: 2023-10-03. Review status: criteria provided, single submitter. Criteria: Invitae Variant Classification Sherloc (09022015). Collection method: clinical testing. Allele origin: germline.
Comment: This sequence change replaces glutamine, which is neutral and polar, with histidine, which is basic and polar, at codon 1647 of the MYH7 protein (p.Gln1647His). This variant is not present in population databases (gnomAD no frequency). This missense change has been observed in individual(s) with hypertrophic cardiomyopathy (PMID: 23283745). ClinVar contains an entry for this variant (Variation ID: 845585). Advanced modeling of protein sequence and biophysical properties (such as structural, functional, and spatial information, amino acid conservation, physicochemical variation, residue mobility, and thermodynamic stability) has been performed at Invitae for this missense variant, however the output from this modeling did not meet the statistical confidence thresholds required to predict the impact of this variant on MYH7 protein function. In summary, the available evidence is currently insufficient to determine the role of this variant in disease. Therefore, it has been classified as a Variant of Uncertain Significance.

Literature cited by the submitters: PubMed 23283745.

NM_000257.4(MYH7):c.4941G>T (p.Gln1647His)

Genes: MHRT (myosin heavy chain associated RNA transcript; plus strand), MYH7 (myosin heavy chain 7; minus strand), LOC126861897 (BRD4-independent group 4 enhancer GRCh37_chr14:23884455-23885654; plus strand). Cytogenetic location: 14q11.2.
Variant type: single nucleotide variant.
Coding change: c.4941G>T on transcript NM_000257.4 (MANE Select); coding-DNA position 4941, G replaced by T.
Protein change: p.Gln1647His; replaces glutamine 1647 with histidine.
Molecular consequence: missense variant. On other transcripts: non-coding transcript variant (1).
Genome position (GRCh38, 1-based): chr14:23,416,016, C>A on the plus strand (G>T on the coding strand, the complement: MYH7 is on the minus strand). VCF-style: chr14-23416016-C-A. GRCh37 (hg19) VCF-style: chr14-23885225-C-A.
Other names: short protein forms Q1647H.
Identifiers: ClinVar variation 845585 (VCV000845585.10), dbSNP rs749154313, ClinGen allele CA389037303.